The following is an entry in ClinVar:

NM_000552.5(VWF):c.4082T>C (p.Leu1361Ser)

Gene: VWF (von Willebrand factor; minus strand). Cytogenetic location: 12p13.31.
Variant type: single nucleotide variant.
Coding change: c.4082T>C on transcript NM_000552.5 (MANE Select); coding-DNA position 4082, T replaced by C.
Protein change: p.Leu1361Ser; replaces leucine 1361 with serine.
Molecular consequence: missense variant.
Genome position (GRCh38, 1-based): chr12:6,019,336, A>G on the plus strand (T>C on the coding strand, the complement: VWF is on the minus strand). VCF-style: chr12-6019336-A-G. GRCh37 (hg19) VCF-style: chr12-6128502-A-G.
Other names: NM_000552.5(VWF):c.4082T>C; p.Leu1361Ser; short protein forms L1361S.
Identifiers: ClinVar variation 100323 (VCV000100323.5), dbSNP rs61749408, ClinGen allele CA228528.
Genomic context (GRCh38, chr12:6,019,336, plus strand): 5'-GTGATGCGGGAGGCTTCAGGGCGGTCGATCTTGCTGAAGATTTGGAACAGTGTGTATTTC[A>G]AGACCTCGCTGGTGGAGGCCACCTGGCTGCCCGCATACTTCACCTGGCTGGCAATGCGCC-3'
Protein context (NP_000543.3, residues 1351-1371): GSQVASTSEV[Leu1361Ser]KYTLFQIFSK

ClinVar aggregate classification (germline): Likely pathogenic. Review status: reviewed by expert panel (3 of 4 stars). 5 submissions from 5 submitters: Likely pathogenic (1). 4 of the submissions do not count toward it. Last evaluated 2025-12-02.

Conditions:
Hereditary von Willebrand disease. Identifiers: Orphanet 903, MedGen C5703318, MONDO:0019565. Inheritance: Autosomal recessive or Autosomal dominant.
von Willebrand disease type 2M (VWD2M). Identifiers: Orphanet 166090, MedGen C1282974, MONDO:0015630.

Allele frequency attached by ClinVar (database versions not stated): gnomAD exomes below 0.00001.
gnomAD v4.1: 3 of 1,613,914 alleles (0.00019%); highest among the groups gnomAD compares: Non-Finnish European, 0.00025%; no homozygotes.

Submissions (5):

ClinGen von Willebrand Disease Variant Curation Expert Panel, ClinGen
Classification: Likely pathogenic for von Willebrand disease type 2M. Last evaluated: 2025-12-02. Review status: reviewed by expert panel. Criteria: ClinGen VWD 2A B M Rules. Collection method: curation. Allele origin: germline. Inheritance: Autosomal dominant inheritance.
Comment: The NM_000552.5:c.4082T>C variant in VWF is a missense variant predicted to cause substitution of leucine by serine at amino acid 1361. At least 1 patient with this variant displayed excessive mucocutaneous bleeding as well as laboratory phenotypes of a normal multimer pattern, low VWF:RCo/VWF:Ag ratio and abnormal collagen binding assay, which together are highly specific for VWD type 2M. (PP4_moderate, PMID 16985174). Additionally, FVIII activity is consistent with VWF antigen. This variant has been reported in 2 additional families meeting activity/antigen ratio <0.7 and normal multimers (PS4_Moderate; Versiti Lab personal communication). The variant has been reported to segregate with VWD type 2M through >2 affected meioses from 1 family (PP1; Versiti Lab personal communication). The Grpmax filtering allele frequency in gnomAD v4.1 is 0.00000068 (based on 3/1179846 alleles in the European non Finnish population), which is lower than the ClinGen VWD VCEP threshold of <0.0001 for type 2M (PM2_Supporting). The computational predictor REVEL gives a score of 0.846, which is above the ClinGen VWD VCEP threshold of >0.644 and predicts a damaging effect on VWF function (PP3). In summary, this variant meets the criteria to be classified as likely pathogenic for von Willebrand disease 2M based on the ACMG/AMP criteria applied, as specified by the ClinGen VWD VCEP: PP4_Moderate, PS4_Moderate, PP1, PM2_Supporting, PP3 (ClinGen von Willebrand Disease Expert Panel Specifications to the ACMG/AMP Variant Interpretation Guidelines for VWF Version 1.0.0)

Women's Health and Genetics/Laboratory Corporation of America, LabCorp
Classification: Uncertain significance. Last evaluated: 2025-12-30. Review status: criteria provided, single submitter. Criteria: LabCorp Variant Classification Summary - May 2015. Collection method: clinical testing. Allele origin: germline. Not counted in ClinVar's aggregate classification.
Comment: Variant summary: VWF c.4082T>C (p.Leu1361Ser) results in a non-conservative amino acid change in the encoded protein sequence. Algorithms developed to predict the effect of missense changes on protein structure and function all suggest that this variant is likely to be disruptive. The variant was absent in 250970 control chromosomes (gnomAD). c.4082T>C has been observed in individuals affected with features of Von Willebrand Disease (Goodeve_2007, Downes_2019). These data indicate that the variant may be associated with disease. To our knowledge, no experimental evidence demonstrating an impact on protein function has been reported. The following publications have been ascertained in the context of this evaluation (PMID: 16985174, 31064749). ClinVar contains an entry for this variant (Variation ID: 100323). Based on the evidence outlined above, the variant was classified as VUS-possibly pathogenic.

NIHR Bioresource Rare Diseases, University of Cambridge
Classification: Likely pathogenic for von Willebrand disorder. Last evaluated: 2019-02-01. Review status: criteria provided, single submitter. Criteria: ACMG Guidelines, 2015. Collection method: research. Allele origin: unknown. Affected: yes. Observed: 1 heterozygote. Study: ThromboGenomics. Not counted in ClinVar's aggregate classification.

Clinical Molecular Genetics Laboratory, Johns Hopkins All Children's Hospital
Classification: Uncertain significance. Last evaluated: 2016-07-21. Review status: no assertion criteria provided. Collection method: clinical testing. Allele origin: germline. Not counted in ClinVar's aggregate classification.

Academic Unit of Haematology, University of Sheffield
No classification provided. Review status: no classification provided. Collection method: not provided. Allele origin: not provided. Not counted in ClinVar's aggregate classification.

Literature cited by the submitters: PubMed 16985174 (cited by Women's Health and Genetics/Laboratory Corporation of America, LabCorp); PubMed 31064749 (cited by Women's Health and Genetics/Laboratory Corporation of America, LabCorp and NIHR Bioresource Rare Diseases, University of Cambridge).